The following is an entry in ClinVar:

ClinVar aggregate classification (germline): Uncertain significance (1 of 4 stars; one submission).

Conditions:
Multiple endocrine neoplasia, type 1 (MEN1). Also called: Endocrine adenomatosis multiple; MEN 1; MEA I; MEN I; WERMER SYNDROME. Identifiers: Orphanet 652, MedGen C0025267, MeSH D018761, MONDO:0007540, OMIM 131100.

Submission:

Color Diagnostics, LLC DBA Color Health
Classification: Uncertain significance for Multiple endocrine neoplasia, type 1. Last evaluated: 2025-10-27. Review status: criteria provided, single submitter. Criteria: ACMG Guidelines, 2015. Collection method: clinical testing. Allele origin: germline.
Comment: This missense variant replaces phenylalanine with tyrosine at codon 11 of the MEN1 protein. Computational prediction suggests that this variant may have deleterious impact on protein structure and function. To our knowledge, functional studies have not been reported for this variant. This variant has not been reported in individuals affected with MEN1-related disorders in the literature. This variant has not been identified in the general population by the Genome Aggregation Database (gnomAD). The available evidence is insufficient to determine the role of this variant in disease conclusively. Therefore, this variant is classified as a Variant of Uncertain Significance.

NM_001370259.2(MEN1):c.32T>A (p.Phe11Tyr)

Gene: MEN1 (menin 1; minus strand). Cytogenetic location: 11q13.1.
Variant type: single nucleotide variant.
Coding change: c.32T>A on transcript NM_001370259.2 (MANE Select); coding-DNA position 32, T replaced by A.
Protein change: p.Phe11Tyr; replaces phenylalanine 11 with tyrosine.
Molecular consequence: missense variant. On other transcripts: non-coding transcript variant (4).
Genome position (GRCh38, 1-based): chr11:64,810,078, A>T on the plus strand (T>A on the coding strand, the complement: MEN1 is on the minus strand). VCF-style: chr11-64810078-A-T. GRCh37 (hg19) VCF-style: chr11-64577550-A-T.
Other names: c.32T>A, p.Phe11Tyr (NM_000244.4, NM_001370251.2, NM_001370260.2 and 20 more transcripts); short protein forms F11Y.
Identifiers: ClinVar variation 4758150 (VCV004758150.1).